The following is an entry in ClinVar:

ClinVar aggregate classification (germline): Uncertain significance (1 of 4 stars; one submission).

Conditions:
Hereditary cancer-predisposing syndrome. Also called: Neoplastic Syndromes, Hereditary; Tumor predisposition; Hereditary Cancer Syndrome; Hereditary neoplastic syndrome. Identifiers: Orphanet 140162, MedGen C0027672, MeSH D009386, MONDO:0015356.

Submission:

Ambry Genetics
Classification: Uncertain significance for Hereditary cancer-predisposing syndrome. Last evaluated: 2021-12-21. Review status: criteria provided, single submitter. Criteria: Ambry Variant Classification Scheme 2023. Collection method: clinical testing. Allele origin: germline.
Comment: The p.P24A variant (also known as c.70C>G), located in coding exon 1 of the PTCH1 gene, results from a C to G substitution at nucleotide position 70. The proline at codon 24 is replaced by alanine, an amino acid with highly similar properties. This amino acid position is poorly conserved in available vertebrate species. In addition, this alteration is predicted to be tolerated by in silico analysis. Since supporting evidence is limited at this time, the clinical significance of this alteration remains unclear.

NM_000264.5(PTCH1):c.70C>G (p.Pro24Ala)

Genes: PTCH1 (patched 1; minus strand), LOC130002133 (ATAC-STARR-seq lymphoblastoid silent region 20071; plus strand). Cytogenetic location: 9q22.32.
Variant type: single nucleotide variant.
Coding change: c.70C>G on transcript NM_000264.5 (MANE Select); coding-DNA position 70, C replaced by G.
Protein change: p.Pro24Ala; replaces proline 24 with alanine.
Molecular consequence: missense variant. On other transcripts: non-coding transcript variant (1), intron variant (3).
Genome position (GRCh38, 1-based): chr9:95,508,292, G>C on the plus strand (C>G on the coding strand, the complement: PTCH1 is on the minus strand). VCF-style: chr9-95508292-G-C. GRCh37 (hg19) VCF-style: chr9-98270574-G-C.
Other names: c.70C>G, p.Pro24Ala (NM_001354918.2); c.199-1693C>G (NM_001083603.3); c.4-1693C>G (NM_001083602.3, NM_001354919.2); short protein forms P24A.
Identifiers: ClinVar variation 1757162 (VCV001757162.2), dbSNP rs1338078012, ClinGen allele CA374121479.